The following is an entry in ClinVar:

ClinVar aggregate classification (germline): Uncertain significance (1 of 4 stars; one submission).

Submission:

Labcorp Genetics (formerly Invitae), Labcorp
Classification: Uncertain significance. Last evaluated: 2024-04-09. Review status: criteria provided, single submitter. Criteria: Invitae Variant Classification Sherloc (09022015). Collection method: clinical testing. Allele origin: germline.
Comment: This sequence change replaces proline, which is neutral and non-polar, with glutamine, which is neutral and polar, at codon 1349 of the SAMD9L protein (p.Pro1349Gln). This variant is not present in population databases (gnomAD no frequency). This variant has not been reported in the literature in individuals affected with SAMD9L-related conditions. Advanced modeling of protein sequence and biophysical properties (such as structural, functional, and spatial information, amino acid conservation, physicochemical variation, residue mobility, and thermodynamic stability) performed at Invitae indicates that this missense variant is not expected to disrupt SAMD9L protein function with a negative predictive value of 80%. In summary, the available evidence is currently insufficient to determine the role of this variant in disease. Therefore, it has been classified as a Variant of Uncertain Significance.

NM_152703.5(SAMD9L):c.4046C>A (p.Pro1349Gln)

Gene: SAMD9L (sterile alpha motif domain containing 9 like; minus strand). Cytogenetic location: 7q21.2.
Variant type: single nucleotide variant.
Coding change: c.4046C>A on transcript NM_152703.5 (MANE Select); coding-DNA position 4046, C replaced by A.
Protein change: p.Pro1349Gln; replaces proline 1349 with glutamine.
Molecular consequence: missense variant.
Genome position (GRCh38, 1-based): chr7:93,131,926, G>T on the plus strand (C>A on the coding strand, the complement: SAMD9L is on the minus strand). VCF-style: chr7-93131926-G-T. GRCh37 (hg19) VCF-style: chr7-92761239-G-T.
Other names: c.4046C>A, p.Pro1349Gln (NM_001303496.3, NM_001303497.3, NM_001303498.3 and 5 more transcripts); short protein forms P1349Q.
Identifiers: ClinVar variation 3641329 (VCV003641329.2).